The following is an entry in ClinVar:

ClinVar aggregate classification (germline): Uncertain significance. Review status: criteria provided, multiple submitters, no conflicts (2 of 4 stars). 2 submissions from 2 submitters: Uncertain significance (2). Last evaluated 2025-04-29.

Conditions:
Early-infantile DEE. Also called: Ohtahara syndrome; Early infantile epileptic encephalopathy with suppression bursts; Early infantile epileptic encephalopathy. Identifiers: Orphanet 1934, MedGen C0393706, MONDO:0800491.

Submissions (2):

GeneDx
Classification: Uncertain significance. Last evaluated: 2025-04-29. Review status: criteria provided, single submitter. Criteria: GeneDx Variant Classification Process June 2021. Collection method: clinical testing. Allele origin: germline. Affected: yes.
Comment: Not observed at significant frequency in large population cohorts (gnomAD); In silico analysis supports that this missense variant has a deleterious effect on protein structure/function; Has not been previously published as pathogenic or benign to our knowledge; This substitution is predicted to be within the transmembrane segment S3 of the fourth homologous domain

Labcorp Genetics (formerly Invitae), Labcorp
Classification: Uncertain significance for Early-infantile DEE. Last evaluated: 2022-06-28. Review status: criteria provided, single submitter. Criteria: Invitae Variant Classification Sherloc (09022015). Collection method: clinical testing. Allele origin: germline.
Comment: This sequence change replaces serine, which is neutral and polar, with proline, which is neutral and non-polar, at codon 1615 of the SCN1A protein (p.Ser1615Pro). This variant is not present in population databases (gnomAD no frequency). This variant has not been reported in the literature in individuals affected with SCN1A-related conditions. ClinVar contains an entry for this variant (Variation ID: 1061998). Advanced modeling of protein sequence and biophysical properties (such as structural, functional, and spatial information, amino acid conservation, physicochemical variation, residue mobility, and thermodynamic stability) performed at Invitae indicates that this missense variant is expected to disrupt SCN1A protein function. In summary, the available evidence is currently insufficient to determine the role of this variant in disease. Therefore, it has been classified as a Variant of Uncertain Significance.

NM_001165963.4(SCN1A):c.4843T>C (p.Ser1615Pro)

Genes: SCN1A (sodium voltage-gated channel alpha subunit 1; minus strand), LOC102724058 (uncharacterized LOC102724058; plus strand). Cytogenetic location: 2q24.3.
Variant type: single nucleotide variant.
Coding change: c.4843T>C on transcript NM_001165963.4 (MANE Select); coding-DNA position 4843, T replaced by C.
Protein change: p.Ser1615Pro; replaces serine 1615 with proline.
Molecular consequence: missense variant. On other transcripts: non-coding transcript variant (1).
Genome position (GRCh38, 1-based): chr2:165,994,155, A>G on the plus strand (T>C on the coding strand, the complement: SCN1A is on the minus strand). VCF-style: chr2-165994155-A-G. GRCh37 (hg19) VCF-style: chr2-166850665-A-G.
Other names: c.4843T>C (NM_001165963.1); c.4759T>C, p.Ser1587Pro (NM_001165964.3, NM_001353957.2, NM_001353958.2); c.4843T>C, p.Ser1615Pro (NM_001202435.3, NM_001353948.2); c.4810T>C, p.Ser1604Pro (NM_001353949.2, NM_001353950.2, NM_001353951.2 and 2 more transcripts); c.4807T>C, p.Ser1603Pro (NM_001353954.2, NM_001353955.2); c.4756T>C, p.Ser1586Pro (NM_001353960.2); c.2401T>C, p.Ser801Pro (NM_001353961.2); short protein forms S1586P, S1587P, S1603P, S1604P, S1615P, S801P.
Identifiers: ClinVar variation 1061998 (VCV001061998.9), dbSNP rs2105447300, ClinGen allele CA349071257.
Genomic context (GRCh38, chr2:165,994,155, plus strand): 5'-TCAGCTTTCACTTTTATTTAACTGAATTTAAGAACTTTAAATATTTCTTACCTACAATGG[A>G]GAGAATGACAACCACAAAATCAAAAATATTCCATCCAATGGTAAAATAATAATGGCGTAG-3'
Protein context (NP_001159435.1, residues 1605-1625): NIFDFVVVIL[Ser1615Pro]IVGMFLAELI